The following is an entry in ClinVar:

NM_000037.4(ANK1):c.2197-1G>C

Gene: ANK1 (ankyrin 1; minus strand). Cytogenetic location: 8p11.21.
Variant type: single nucleotide variant.
Coding change: c.2197-1G>C on transcript NM_000037.4 (MANE Select); the canonical splice acceptor site of the intron before coding-DNA position 2197, G replaced by C.
Molecular consequence: splice acceptor variant.
Genome position (GRCh38, 1-based): chr8:41,704,140, C>G on the plus strand (G>C on the coding strand, the complement: ANK1 is on the minus strand). VCF-style: chr8-41704140-C-G. GRCh37 (hg19) VCF-style: chr8-41561658-C-G.
Other names: c.2296-1G>C (NM_001142446.2); c.2197-1G>C (NM_020477.3, NM_020475.3, NM_020476.3).
Identifiers: ClinVar variation 4712338 (VCV004712338.1).

ClinVar aggregate classification (germline): Likely pathogenic (1 of 4 stars; one submission).

Submission:

Labcorp Genetics (formerly Invitae), Labcorp
Classification: Likely pathogenic. Last evaluated: 2025-02-04. Review status: criteria provided, single submitter. Criteria: Invitae Variant Classification Sherloc (09022015). Collection method: clinical testing. Allele origin: germline.
Comment: This sequence change affects an acceptor splice site in intron 19 of the ANK1 gene. It is expected to disrupt RNA splicing. Variants that disrupt the donor or acceptor splice site typically lead to a loss of protein function (PMID: 16199547), and loss-of-function variants in ANK1 are known to be pathogenic (PMID: 8640229). This variant is not present in population databases (gnomAD no frequency). This variant has not been reported in the literature in individuals affected with ANK1-related conditions. Algorithms developed to predict the effect of sequence changes on RNA splicing suggest that this variant may disrupt the consensus splice site. In summary, the currently available evidence indicates that the variant is pathogenic, but additional data are needed to prove that conclusively. Therefore, this variant has been classified as Likely Pathogenic.

Literature cited by the submitters: PubMed 16199547; PubMed 8640229.